The following is an entry in ClinVar:

ClinVar aggregate classification (germline): Uncertain significance. Review status: criteria provided, multiple submitters, no conflicts (2 of 4 stars). 2 submissions from 2 submitters: Uncertain significance (2). Last evaluated 2026-03-20.

Conditions:
Hereditary cancer-predisposing syndrome. Also called: Hereditary neoplastic syndrome; Tumor predisposition; Hereditary Cancer Syndrome; Neoplastic Syndromes, Hereditary. Identifiers: Orphanet 140162, MedGen C0027672, MeSH D009386, MONDO:0015356.
Tuberous sclerosis 2 (TSC2). Identifiers: Orphanet 805, MedGen C1860707, MONDO:0013199, OMIM 613254.

Submissions (2):

Ambry Genetics
Classification: Uncertain significance for Hereditary cancer-predisposing syndrome. Last evaluated: 2026-03-20. Review status: criteria provided, single submitter. Criteria: Ambry Variant Classification Scheme 2023. Collection method: clinical testing. Allele origin: germline.
Comment: The p.V827A variant (also known as c.2480T>C), located in coding exon 21 of the TSC2 gene, results from a T to C substitution at nucleotide position 2480. The valine at codon 827 is replaced by alanine, an amino acid with similar properties. This amino acid position is conserved. In addition, the in silico prediction for this alteration is inconclusive. Based on the available evidence, the clinical significance of this variant remains unclear.

Labcorp Genetics (formerly Invitae), Labcorp
Classification: Uncertain significance for Tuberous sclerosis 2. Last evaluated: 2025-12-08. Review status: criteria provided, single submitter. Criteria: Invitae Variant Classification Sherloc (09022015). Collection method: clinical testing. Allele origin: germline.
Comment: This sequence change replaces valine, which is neutral and non-polar, with alanine, which is neutral and non-polar, at codon 827 of the TSC2 protein (p.Val827Ala). This variant is not present in population databases (gnomAD no frequency). This variant has not been reported in the literature in individuals affected with TSC2-related conditions. ClinVar contains an entry for this variant (Variation ID: 3669443). Invitae Evidence Modeling of protein sequence and biophysical properties (such as structural, functional, and spatial information, amino acid conservation, physicochemical variation, residue mobility, and thermodynamic stability) indicates that this missense variant is not expected to disrupt TSC2 protein function with a negative predictive value of 95%. In summary, the available evidence is currently insufficient to determine the role of this variant in disease. Therefore, it has been classified as a Variant of Uncertain Significance.

NM_000548.5(TSC2):c.2480T>C (p.Val827Ala)

Gene: TSC2 (TSC complex subunit 2; plus strand). Cytogenetic location: 16p13.3.
Variant type: single nucleotide variant.
Coding change: c.2480T>C on transcript NM_000548.5 (MANE Select); coding-DNA position 2480, T replaced by C.
Protein change: p.Val827Ala; replaces valine 827 with alanine.
Molecular consequence: missense variant. On other transcripts: non-coding transcript variant (5).
Genome position (GRCh38, 1-based): chr16:2,074,324, T>C. VCF-style: chr16-2074324-T-C. GRCh37 (hg19) VCF-style: chr16-2124325-T-C.
Other names: c.2480T>C, p.Val827Ala (NM_001077183.3, NM_001114382.3, NM_001363528.2 and 6 more transcripts); c.2369T>C, p.Val790Ala (NM_001318827.2, NM_001406670.1, NM_001406678.1); c.2333T>C, p.Val778Ala (NM_001318829.2, NM_001406675.1, NM_001406676.1 and 1 more transcripts); c.1880T>C, p.Val627Ala (NM_001318831.2, NM_001406682.1, NM_001406683.1 and 6 more transcripts); c.2513T>C, p.Val838Ala (NM_001318832.2); c.2570T>C, p.Val857Ala (NM_001406667.1, NM_001406668.1); c.1136T>C, p.Val379Ala (NM_001406689.1, NM_001406690.1, NM_001406691.1 and 6 more transcripts); c.878T>C, p.Val293Ala (NM_001406698.1); and 3 more; short protein forms V827A, V673A, V838A, V293A, V790A, V808A, V823A, V857A.
Identifiers: ClinVar variation 3669443 (VCV003669443.3).